The following is an entry in ClinVar:

NM_017775.4(TTC19):c.304C>T (p.Arg102Ter)

Gene: TTC19 (tetratricopeptide repeat domain 19; plus strand). Cytogenetic location: 17p12.
Variant type: single nucleotide variant.
Coding change: c.304C>T on transcript NM_017775.4 (MANE Select); coding-DNA position 304, C replaced by T.
Protein change: p.Arg102Ter; replaces arginine 102 with a stop codon.
Molecular consequence: nonsense. On other transcripts: 5 prime UTR variant (1).
Genome position (GRCh38, 1-based): chr17:16,000,237, C>T. VCF-style: chr17-16000237-C-T. GRCh37 (hg19) VCF-style: chr17-15903551-C-T.
Other names: c.-155C>T (NM_001271420.2); short protein forms R102*.
Identifiers: ClinVar variation 489153 (VCV000489153.2), dbSNP rs961191529, ClinGen allele CA398383677.
Genomic context (GRCh38, chr17:16,000,237, plus strand): 5'-GGGGCCGCTGCCGAGGACGGGGCGGACGAGGCCGAGGCAGAGATCATCCAGCTGCTGAAG[C>T]GAGCCAAGGTGAGGCGGCTCCGGGCCCTGCGCCCGGCCGAGCGCGGTAGCCTTTGTGAGC-3'

ClinVar aggregate classification (germline): Pathogenic (1 of 4 stars; one submission).

Submission:

GeneDx
Classification: Pathogenic. Last evaluated: 2017-11-27. Review status: criteria provided, single submitter. Criteria: GeneDx Variant Classification (06012015). Collection method: clinical testing. Allele origin: germline. Affected: yes.
Comment: The R102X variant in the TTC19 gene has not been reported previously as a pathogenic variant nor as a benign variant, to our knowledge. This variant is predicted to cause loss of normal protein function either through protein truncation or nonsense-mediated mRNA decay. The R102X variant is not observed in large population cohorts (Lek et al., 2016). We interpret R102X as a pathogenic variant.